The following is an entry in ClinVar:

ClinVar aggregate classification (germline): Likely benign. Review status: criteria provided, multiple submitters, no conflicts (2 of 4 stars). 2 submissions from 2 submitters: Likely benign (2). Last evaluated 2024-09-12.

Conditions:
Charcot-Marie-Tooth disease recessive intermediate C. Also called: CHARCOT-MARIE-TOOTH NEUROPATHY, RECESSIVE INTERMEDIATE C. Identifiers: Orphanet 369867, MedGen C3809309, MONDO:0014154, OMIM 615376.
Neuronopathy, distal hereditary motor, autosomal recessive 4. Also called: Autosomal recessive lower motor neuron disease with childhood onset; NEUROPATHY, DISTAL HEREDITARY MOTOR, AUTOSOMAL RECESSIVE 4. Identifiers: Orphanet 206580, MedGen C1970211, MONDO:0012608, OMIM 611067.

Allele frequency attached by ClinVar (database versions not stated): TOPMed below 0.00001; gnomAD 0.00001.
gnomAD v4.1: 1 of 1,613,758 alleles (0.000062%); highest among the groups gnomAD compares: African/African-American, 0.0013%; no homozygotes.

Submissions (2):

Labcorp Genetics (formerly Invitae), Labcorp
Classification: Likely benign for Neuronopathy, distal hereditary motor, autosomal recessive 4; Charcot-Marie-Tooth disease recessive intermediate C. Last evaluated: 2024-09-12. Review status: criteria provided, single submitter. Criteria: Invitae Variant Classification Sherloc (09022015). Collection method: clinical testing. Allele origin: germline.

CeGaT Center for Human Genetics Tuebingen
Classification: Likely benign. Last evaluated: 2024-05-01. Review status: criteria provided, single submitter. Criteria: CeGaT Center For Human Genetics Tuebingen Variant Classification Criteria Version 2. Collection method: clinical testing. Allele origin: germline. Affected: yes. Observed: 1 variant allele.
Comment: PLEKHG5: BP4, BP7

NM_020631.6(PLEKHG5):c.2065C>T (p.Leu689=)

Gene: PLEKHG5 (pleckstrin homology and RhoGEF domain containing G5; minus strand). Cytogenetic location: 1p36.31.
Variant type: single nucleotide variant.
Coding change: c.2065C>T on transcript NM_020631.6 (MANE Select); coding-DNA position 2065, C replaced by T.
Protein change: p.Leu689=; no amino-acid change (leucine 689 retained).
Molecular consequence: synonymous variant.
Genome position (GRCh38, 1-based): chr1:6,469,226, G>A on the plus strand (C>T on the coding strand, the complement: PLEKHG5 is on the minus strand). VCF-style: chr1-6469226-G-A. GRCh37 (hg19) VCF-style: chr1-6529286-G-A.
Other names: c.2176C>T, p.Leu726= (NM_001042663.3, NM_001265592.2); c.2065C>T, p.Leu689= (NM_001042664.2, NM_001042665.2, NM_001265594.3 and 1 more transcripts); c.2272C>T, p.Leu758= (NM_001265593.2).
Identifiers: ClinVar variation 3239296 (VCV003239296.21), dbSNP rs542849357.